The following is an entry in ClinVar:

ClinVar aggregate classification (germline): Benign (1 of 4 stars; one submission).

Allele frequency attached by ClinVar (database versions not stated): 1000 Genomes Project 0.36462; gnomAD 0.40886 and 0.41044; TOPMed 0.41363; gnomAD exomes 0.42181.
gnomAD v4.1: 229,378 of 547,646 alleles (42%); highest among the groups gnomAD compares: Middle Eastern, 53%; 49,426 homozygotes.

Submission:

GeneDx
Classification: Benign. Last evaluated: 2018-06-14. Review status: criteria provided, single submitter. Criteria: GeneDx Variant Classification (06012015). Collection method: clinical testing. Allele origin: germline. Affected: yes.
Comment: This variant is considered likely benign or benign based on one or more of the following criteria: it is a conservative change, it occurs at a poorly conserved position in the protein, it is predicted to be benign by multiple in silico algorithms, and/or has population frequency not consistent with disease.

NM_001127222.2(CACNA1A):c.5249+209C>T

Gene: CACNA1A (calcium voltage-gated channel subunit alpha1 A; minus strand). Cytogenetic location: 19p13.13.
Variant type: single nucleotide variant.
Coding change: c.5249+209C>T on transcript NM_001127222.2 (MANE Select); 209 bases into the intron after coding-DNA position 5249, C replaced by T.
Molecular consequence: intron variant.
Genome position (GRCh38, 1-based): chr19:13,234,712, G>A on the plus strand (C>T on the coding strand, the complement: CACNA1A is on the minus strand). VCF-style: chr19-13234712-G-A. GRCh37 (hg19) VCF-style: chr19-13345526-G-A.
Other names: c.5252+209C>T (NM_001127221.2); c.5258+209C>T (NM_001174080.2); c.5267+209C>T (NM_000068.4, NM_023035.3).
Identifiers: ClinVar variation 678182 (VCV000678182.1), dbSNP rs11085837, ClinGen allele CA14670619.